The following is an entry in ClinVar:

ClinVar aggregate classification (germline): Conflicting classifications of pathogenicity. Review status: criteria provided, conflicting classifications (1 of 4 stars). 3 submissions from 3 submitters: Uncertain significance (2); Benign (1). Last evaluated 2025-09-09.

Conditions:
Hereditary cancer-predisposing syndrome. Also called: Neoplastic Syndromes, Hereditary; Hereditary Cancer Syndrome; Hereditary neoplastic syndrome; Tumor predisposition. Identifiers: Orphanet 140162, MedGen C0027672, MeSH D009386, MONDO:0015356.
Familial adenomatous polyposis 2. Also called: COLORECTAL ADENOMATOUS POLYPOSIS, AUTOSOMAL RECESSIVE; ADENOMAS, MULTIPLE COLORECTAL, AUTOSOMAL RECESSIVE; Adenomas, multiple colorectal; FAP type 2; MUTYH Polyposis; MUTYH-associated polyposis. Identifiers: Orphanet 220460, Orphanet 247798, MedGen C3272841, MONDO:0012041, OMIM 608456.

Submissions (3):

Ambry Genetics
Classification: Benign for Hereditary cancer-predisposing syndrome. Last evaluated: 2025-09-09. Review status: criteria provided, single submitter. Criteria: Ambry Variant Classification Scheme 2023. Collection method: clinical testing. Allele origin: germline.

Labcorp Genetics (formerly Invitae), Labcorp
Classification: Uncertain significance for Familial adenomatous polyposis 2. Last evaluated: 2025-06-10. Review status: criteria provided, single submitter. Criteria: Invitae Variant Classification Sherloc (09022015). Collection method: clinical testing. Allele origin: germline.
Comment: This sequence change replaces alanine, which is neutral and non-polar, with glycine, which is neutral and non-polar, at codon 95 of the MUTYH protein (p.Ala95Gly). This variant is not present in population databases (gnomAD no frequency). This variant has not been reported in the literature in individuals affected with MUTYH-related conditions. ClinVar contains an entry for this variant (Variation ID: 997626). An algorithm developed to predict the effect of missense changes on protein structure and function outputs the following: PolyPhen-2: "Benign". The glycine amino acid residue is found in multiple mammalian species, which suggests that this missense change does not adversely affect protein function. In summary, the available evidence is currently insufficient to determine the role of this variant in disease. Therefore, it has been classified as a Variant of Uncertain Significance.

Baylor Genetics
Classification: Uncertain significance for Familial adenomatous polyposis 2. Last evaluated: 2020-03-25. Review status: criteria provided, single submitter. Criteria: ACMG Guidelines, 2015. Collection method: clinical testing. Allele origin: unknown. Affected: yes. Study: CSER-TexasKidsCanSeq.
Comment: This variant was determined to be of uncertain significance according to ACMG Guidelines, 2015 [PMID:25741868].

NM_001048174.2(MUTYH):c.200C>G (p.Ala67Gly)

Gene: MUTYH (mutY DNA glycosylase; minus strand). Cytogenetic location: 1p34.1.
Variant type: single nucleotide variant.
Coding change: c.200C>G on transcript NM_001048174.2 (MANE Select); coding-DNA position 200, C replaced by G.
Protein change: p.Ala67Gly; replaces alanine 67 with glycine.
Molecular consequence: missense variant. On other transcripts: 5 prime UTR variant (4), non-coding transcript variant (2).
Genome position (GRCh38, 1-based): chr1:45,333,477, G>C on the plus strand (C>G on the coding strand, the complement: MUTYH is on the minus strand). VCF-style: chr1-45333477-G-C. GRCh37 (hg19) VCF-style: chr1-45799149-G-C.
Other names: c.200C>G, p.Ala67Gly (NM_001048171.2, NM_001048173.2, NM_001293195.2); c.203C>G, p.Ala68Gly (NM_001048172.2); c.284C>G, p.Ala95Gly (NM_001128425.2); c.245C>G, p.Ala82Gly (NM_001293190.2); c.233C>G, p.Ala78Gly (NM_001293191.2); c.-77C>G (NM_001293192.2, NM_001293196.2); c.-72C>G (NM_001350650.2, NM_001350651.2); c.275C>G, p.Ala92Gly (NM_012222.3); short protein forms A67G, A68G, A78G, A82G, A92G, A95G.
Identifiers: ClinVar variation 997626 (VCV000997626.7), dbSNP rs1645363196, ClinGen allele CA340136453.
Genomic context (GRCh38, chr1:45,333,477, plus strand): 5'-CTTCTCCATGGTAGGTCCCGTTTCTCTTGGTCGTACCAGCTTAGCAGGCTCCCTCGGAAG[G>C]CTGTGACTTCAGCTACGTCTCTGAATAGATGGTATGAGGAGACAGAGGCCTGCAATACCA-3'
Protein context (NP_001041639.1, residues 57-77): HLFRDVAEVT[Ala67Gly]FRGSLLSWYD